The following is an entry in ClinVar:

ClinVar aggregate classification (germline): Uncertain significance (1 of 4 stars; one submission).

Allele frequency attached by ClinVar (database versions not stated): ExAC 0.00018; TOPMed 0.00020; gnomAD 0.00021; gnomAD exomes 0.00036.

Submission:

Ambry Genetics
Classification: Uncertain significance. Last evaluated: 2024-10-05. Review status: criteria provided, single submitter. Criteria: Ambry Variant Classification Scheme 2023. Collection method: clinical testing. Allele origin: germline.
Comment: The p.M1644T variant (also known as c.4931T>C), located in coding exon 20 of the WNK2 gene, results from a T to C substitution at nucleotide position 4931. The methionine at codon 1644 is replaced by threonine, an amino acid with similar properties. This amino acid position is conserved. In addition, this alteration is predicted to be tolerated by in silico analysis. Based on the available evidence, the clinical significance of this variant remains unclear.

NM_006648.4(WNK2):c.4931T>C (p.Met1644Thr)

Gene: WNK2 (WNK lysine deficient protein kinase 2; plus strand). Cytogenetic location: 9q22.31.
Variant type: single nucleotide variant.
Coding change: c.4931T>C on transcript NM_006648.4 (MANE Select); coding-DNA position 4931, T replaced by C.
Protein change: p.Met1644Thr; replaces methionine 1644 with threonine.
Molecular consequence: missense variant.
Genome position (GRCh38, 1-based): chr9:93,290,042, T>C. VCF-style: chr9-93290042-T-C. GRCh37 (hg19) VCF-style: chr9-96052324-T-C.
Other names: c.5042T>C, p.Met1681Thr (NM_001282394.3); short protein forms M1644T, M1681T.
Identifiers: ClinVar variation 2590921 (VCV002590921.3), dbSNP rs34650214, ClinGen allele CA5130439.